The following is an entry in ClinVar:

ClinVar aggregate classification (germline): Uncertain significance (1 of 4 stars; one submission).

Conditions:
Epidermolysis bullosa simplex 3, localized or generalized intermediate, with BP230 deficiency (EBS3). Also called: Epidermolysis bullosa simplex due to BP230 deficiency; Epidermolysis bullosa simplex, autosomal recessive 2. Identifiers: Orphanet 412181, MedGen C3809470, MONDO:0014180, OMIM 615425.
Hereditary sensory and autonomic neuropathy type 6. Also called: Neuropathy, hereditary sensory and autonomic, type VI; HSAN VI. Identifiers: Orphanet 314381, MedGen C3539003, MONDO:0013839, OMIM 614653.

Allele frequency attached by ClinVar (database versions not stated): gnomAD exomes below 0.00001; ExAC 0.00001; gnomAD 0.00001; TOPMed 0.00001; 1000 Genomes Project 30x 0.00016; 1000 Genomes Project 0.00020.
gnomAD v4.1: 1 of 1,613,994 alleles (0.000062%); highest among the groups gnomAD compares: Admixed American, 0.0017%; no homozygotes.

Submission:

Labcorp Genetics (formerly Invitae), Labcorp
Classification: Uncertain significance for Epidermolysis bullosa simplex 3, localized or generalized intermediate, with BP230 deficiency; Hereditary sensory and autonomic neuropathy type 6. Last evaluated: 2025-01-06. Review status: criteria provided, single submitter. Criteria: Invitae Variant Classification Sherloc (09022015). Collection method: clinical testing. Allele origin: germline.
Comment: The DST gene has multiple clinically relevant transcripts. This variant occurs in alternate transcript NM_015548.4, and corresponds to NM_001723.5:c.*61967A>T in the primary transcript. This sequence change replaces asparagine, which is neutral and polar, with isoleucine, which is neutral and non-polar, at codon 2458 of the DST protein (p.Asn2458Ile). This variant is present in population databases (rs537433450, gnomAD 0.003%). This variant has not been reported in the literature in individuals affected with DST-related conditions. Experimental studies and prediction algorithms are not available or were not evaluated, and the functional significance of this variant is currently unknown. In summary, the available evidence is currently insufficient to determine the role of this variant in disease. Therefore, it has been classified as a Variant of Uncertain Significance.

NM_001374736.1(DST):c.15242A>T (p.Asn5081Ile)

Gene: DST (dystonin; minus strand). Cytogenetic location: 6p12.1.
Variant type: single nucleotide variant.
Coding change: c.15242A>T on transcript NM_001374736.1 (MANE Select); coding-DNA position 15242, A replaced by T.
Protein change: p.Asn5081Ile; replaces asparagine 5081 with isoleucine.
Molecular consequence: missense variant.
Genome position (GRCh38, 1-based): chr6:56,553,550, T>A on the plus strand (A>T on the coding strand, the complement: DST is on the minus strand). VCF-style: chr6-56553550-T-A. GRCh37 (hg19) VCF-style: chr6-56418348-T-A.
Other names: c.8885A>T, p.Asn2962Ile (NM_001144769.5); c.8471A>T, p.Asn2824Ile (NM_001144770.2); c.15242A>T, p.Asn5081Ile (NM_001374722.1); c.14609A>T, p.Asn4870Ile (NM_001374729.1); c.8351A>T, p.Asn2784Ile (NM_001374730.1, NM_183380.4); c.15269A>T, p.Asn5090Ile (NM_001374734.1); c.7373A>T, p.Asn2458Ile (NM_015548.5); short protein forms N2784I, N2458I, N5090I, N2824I, N2962I, N4870I, N5081I.
Identifiers: ClinVar variation 972438 (VCV000972438.8), dbSNP rs537433450, ClinGen allele CA3867843.
Genomic context (GRCh38, chr6:56,553,550, plus strand): 5'-TTATGATCTTTAATTAATGACTCCAAGACATCGAGTTTGGCAGATATTGGATGAGATTTG[T>A]TTTGCTCTTCTTTCTTTGTATCCAGCCAAGCCTGAAAATCTCTAGACATTTGCTGAAATT-3'
Protein context (NP_001361665.1, residues 5071-5091): AWLDTKKEEQ[Asn5081Ile]KSHPISAKLD